The following is an entry in ClinVar:

NM_002874.5(RAD23B):c.651C>T (p.Asn217=)

Gene: RAD23B (RAD23 homolog B, nucleotide excision repair protein; plus strand). Cytogenetic location: 9q31.2.
Variant type: single nucleotide variant.
Coding change: c.651C>T on transcript NM_002874.5 (MANE Select); coding-DNA position 651, C replaced by T.
Protein change: p.Asn217=; no amino-acid change (asparagine 217 retained).
Molecular consequence: synonymous variant.
Genome position (GRCh38, 1-based): chr9:107,318,849, C>T. VCF-style: chr9-107318849-C-T. GRCh37 (hg19) VCF-style: chr9-110081130-C-T.
Other names: c.588C>T, p.Asn196= (NM_001244713.1); c.435C>T, p.Asn145= (NM_001244724.2).
Identifiers: ClinVar variation 3032669 (VCV003032669.2), dbSNP rs367593022, ClinGen allele CA5172751.

ClinVar aggregate classification (germline): Likely benign (0 of 4 stars; one submission).

Conditions:
RAD23B-related disorder. Also called: RAD23B-related condition.

Allele frequency attached by ClinVar (database versions not stated): gnomAD 0.00003; gnomAD exomes 0.00004; ESP Exome Variant Server 0.00008; TOPMed 0.00014; ExAC 0.00016.
gnomAD v4.1: 68 of 1,613,504 alleles (0.0042%); highest among the groups gnomAD compares: East Asian, 0.047%; 1 homozygote.

Submission:

PreventionGenetics, part of Exact Sciences
Classification: Likely benign for RAD23B-related condition. Last evaluated: 2021-01-25. Review status: no assertion criteria provided. Collection method: clinical testing. Allele origin: germline.
Comment: This variant is classified as likely benign based on ACMG/AMP sequence variant interpretation guidelines (Richards et al. 2015 PMID: 25741868, with internal and published modifications).